The following is an entry in ClinVar:

NM_030665.4(RAI1):c.3846C>T (p.Thr1282=)

Gene: RAI1 (retinoic acid induced 1; plus strand). Cytogenetic location: 17p11.2.
Variant type: single nucleotide variant.
Coding change: c.3846C>T on transcript NM_030665.4 (MANE Select); coding-DNA position 3846, C replaced by T.
Protein change: p.Thr1282=; no amino-acid change (threonine 1282 retained).
Molecular consequence: synonymous variant.
Genome position (GRCh38, 1-based): chr17:17,796,794, C>T. VCF-style: chr17-17796794-C-T. GRCh37 (hg19) VCF-style: chr17-17700108-C-T.
Other names: c.3846C>T (NM_030665.3).
Identifiers: ClinVar variation 2710017 (VCV002710017.4), dbSNP rs773995967, ClinGen allele CA8418835.

ClinVar aggregate classification (germline): Likely benign. Review status: criteria provided, single submitter (1 of 4 stars). 2 submissions from 2 submitters: Likely benign (1). 1 of the submissions does not count toward it. Last evaluated 2024-10-16.

Conditions:
RAI1-related disorder. Also called: RAI1-related condition.

Allele frequency attached by ClinVar (database versions not stated): gnomAD 0.00003; TOPMed 0.00003.
gnomAD v4.1: 8 of 1,612,530 alleles (0.0005%); highest among the groups gnomAD compares: African/African-American, 0.0093%; no homozygotes.

Submissions (2):

Labcorp Genetics (formerly Invitae), Labcorp
Classification: Likely benign. Last evaluated: 2024-10-16. Review status: criteria provided, single submitter. Criteria: Invitae Variant Classification Sherloc (09022015). Collection method: clinical testing. Allele origin: germline.

PreventionGenetics, part of Exact Sciences
Classification: Likely benign for RAI1-related condition. Last evaluated: 2024-08-15. Review status: no assertion criteria provided. Collection method: clinical testing. Allele origin: germline. Not counted in ClinVar's aggregate classification.
Comment: This variant is classified as likely benign based on ACMG/AMP sequence variant interpretation guidelines (Richards et al. 2015 PMID: 25741868, with internal and published modifications).